The following is an entry in ClinVar:

NM_032217.5(ANKRD17):c.659C>A (p.Thr220Asn)

Gene: ANKRD17 (ankyrin repeat domain 17; minus strand). Cytogenetic location: 4q13.3.
Variant type: single nucleotide variant.
Coding change: c.659C>A on transcript NM_032217.5 (MANE Select); coding-DNA position 659, C replaced by A.
Protein change: p.Thr220Asn; replaces threonine 220 with asparagine.
Molecular consequence: missense variant.
Genome position (GRCh38, 1-based): chr4:73,161,237, G>T on the plus strand (C>A on the coding strand, the complement: ANKRD17 is on the minus strand). VCF-style: chr4-73161237-G-T. GRCh37 (hg19) VCF-style: chr4-74026954-G-T.
Other names: c.320C>A, p.Thr107Asn (NM_001286771.3); c.659C>A, p.Thr220Asn (NM_015574.2, NM_198889.3); short protein forms T107N, T220N.
Identifiers: ClinVar variation 3730976 (VCV003730976.1).

ClinVar aggregate classification (germline): Uncertain significance (1 of 4 stars; one submission).

Submission:

GeneDx
Classification: Uncertain significance. Last evaluated: 2024-08-08. Review status: criteria provided, single submitter. Criteria: GeneDx Variant Classification Process June 2021. Collection method: clinical testing. Allele origin: germline. Affected: yes.
Comment: Not observed at significant frequency in large population cohorts (gnomAD); In silico analysis supports that this missense variant has a deleterious effect on protein structure/function; Has not been previously published as pathogenic or benign to our knowledge